The following is an entry in ClinVar:

ClinVar aggregate classification (germline): Likely pathogenic (1 of 4 stars; one submission).

Conditions:
Multiple gastrointestinal atresias. Also called: FAMILIAL INTESTINAL POLYATRESIA SYNDROME; Multiple intestinal atresia. Identifiers: Orphanet 2300, MedGen C0220744, MONDO:0009465.

Submission:

Labcorp Genetics (formerly Invitae), Labcorp
Classification: Likely pathogenic for Multiple gastrointestinal atresias. Last evaluated: 2021-07-06. Review status: criteria provided, single submitter. Criteria: Invitae Variant Classification Sherloc (09022015). Collection method: clinical testing. Allele origin: germline.
Comment: This variant has not been reported in the literature in individuals affected with TTC7A-related conditions. This sequence change affects a splice site in intron 10 of the TTC7A gene. It is expected to disrupt RNA splicing. Variants that disrupt the donor or acceptor splice site typically lead to a loss of protein function (PMID: 16199547), and loss-of-function variants in TTC7A are known to be pathogenic (PMID: 23830146, 24292712). This variant is not present in population databases (ExAC no frequency). Algorithms developed to predict the effect of sequence changes on RNA splicing suggest that this variant may disrupt the consensus splice site. In summary, the currently available evidence indicates that the variant is pathogenic, but additional data are needed to prove that conclusively. Therefore, this variant has been classified as Likely Pathogenic.

Literature cited by the submitters: PubMed 16199547; PubMed 23830146; PubMed 24292712.

NM_020458.4(TTC7A):c.1287+1del

Gene: TTC7A (tetratricopeptide repeat domain 7A; plus strand). Cytogenetic location: 2p21.
Variant type: Deletion.
Coding change: c.1287+1del on transcript NM_020458.4 (MANE Select); the canonical splice donor site of the intron after coding-DNA position 1287, one base deleted (G; older notation c.1287+1delG).
Molecular consequence: splice donor variant.
Genome position (GRCh38, 1-based): chr2:47,006,725, G deleted; the last of 2 consecutive G bases (chr2:47,006,724-47,006,725); deleting either gives the same sequence. VCF-style (leftmost placement, unchanged base first): chr2-47006723-AG-A. GRCh37 (hg19) VCF-style: chr2-47233862-AG-A.
Other names: c.1185+1del (NM_001288953.2); c.1287+1del (NM_001288951.2); c.225+1del (NM_001288955.2).
Identifiers: ClinVar variation 1470351 (VCV001470351.6), dbSNP rs2104457522, ClinGen allele CA2573134831.
Genomic context (GRCh38, chr2:47,006,723, plus strand): 5'-TTGCGTTTGGAGAATTTCACCTTTGGTACCAGGTGGCCCTCTCCATGGTGGCTTGTGGGA[AG>A]GTAAGGCCCAGGGGGCGCTAGGGGTTGCACACTCACCCGCAGGGGGCTCTGCTGAGATGG-3'